The following is an entry in ClinVar:

NM_000709.4(BCKDHA):c.318C>G (p.Tyr106Ter)

Gene: BCKDHA (branched chain keto acid dehydrogenase E1 subunit alpha; plus strand). Cytogenetic location: 19q13.2.
Variant type: single nucleotide variant.
Coding change: c.318C>G on transcript NM_000709.4 (MANE Select); coding-DNA position 318, C replaced by G.
Protein change: p.Tyr106Ter; replaces tyrosine 106 with a stop codon.
Molecular consequence: nonsense.
Genome position (GRCh38, 1-based): chr19:41,410,952, C>G. VCF-style: chr19-41410952-C-G. GRCh37 (hg19) VCF-style: chr19-41916857-C-G.
Other names: c.318C>G, p.Tyr106Ter (NM_001164783.2); short protein forms Y106*.
Identifiers: ClinVar variation 2826260 (VCV002826260.4), dbSNP rs2513452367, ClinGen allele CA406005532.

ClinVar aggregate classification (germline): Pathogenic. Review status: criteria provided, multiple submitters, no conflicts (2 of 4 stars). 2 submissions from 2 submitters: Pathogenic (2). Last evaluated 2024-03-12.

Conditions:
Maple syrup urine disease type 1A (MSUD1A). Also called: MSUD type 1A. Identifiers: MedGen C1855369, MONDO:0023691, OMIM 248600.
Maple syrup urine disease (MSUD). Identifiers: Orphanet 511, MedGen C0024776, MeSH D008375, MONDO:0009563. Disease mechanism: loss of function.

Submissions (2):

Myriad Genetics, Inc.
Classification: Pathogenic for Maple syrup urine disease type 1A. Last evaluated: 2024-03-12. Review status: criteria provided, single submitter. Criteria: Myriad Autosomal Dominant, Autosomal Recessive and X-Linked Classification Criteria (2023). Collection method: clinical testing. Allele origin: unknown.
Comment: NM_000709.3(BCKDHA):c.318C>G(Y106*) is expected to be pathogenic in the context of maple syrup urine disease type Ia. This variant is predicted to lead to an abnormal or absent protein product due to the creation of a premature termination codon in BCKDHA, a gene where loss-of-function variants are known to be pathogenic. Please note: this variant was assessed in the context of healthy population screening.

Labcorp Genetics (formerly Invitae), Labcorp
Classification: Pathogenic for Maple syrup urine disease. Last evaluated: 2023-01-11. Review status: criteria provided, single submitter. Criteria: Invitae Variant Classification Sherloc (09022015). Collection method: clinical testing. Allele origin: germline.
Comment: For these reasons, this variant has been classified as Pathogenic. This variant has not been reported in the literature in individuals affected with BCKDHA-related conditions. This variant is not present in population databases (gnomAD no frequency). This sequence change creates a premature translational stop signal (p.Tyr106*) in the BCKDHA gene. It is expected to result in an absent or disrupted protein product. Loss-of-function variants in BCKDHA are known to be pathogenic (PMID: 16786533, 22593002).

Literature cited by the submitters: PubMed 16786533 (cited by Labcorp Genetics (formerly Invitae), Labcorp); PubMed 22593002 (cited by Labcorp Genetics (formerly Invitae), Labcorp).